The following is an entry in ClinVar:

NM_031310.3(PLVAP):c.824T>C (p.Met275Thr)

Gene: PLVAP (plasmalemma vesicle associated protein; minus strand). Cytogenetic location: 19p13.11.
Variant type: single nucleotide variant.
Coding change: c.824T>C on transcript NM_031310.3 (MANE Select); coding-DNA position 824, T replaced by C.
Protein change: p.Met275Thr; replaces methionine 275 with threonine.
Molecular consequence: missense variant.
Genome position (GRCh38, 1-based): chr19:17,365,641, A>G on the plus strand (T>C on the coding strand, the complement: PLVAP is on the minus strand). VCF-style: chr19-17365641-A-G. GRCh37 (hg19) VCF-style: chr19-17476450-A-G.
Other names: c.824T>C (NM_031310.1); short protein forms M275T.
Identifiers: ClinVar variation 2126464 (VCV002126464.4), dbSNP rs543086219, ClinGen allele CA306065772.
Genomic context (GRCh38, chr19:17,365,641, plus strand): 5'-TCGATATCCGCCCGGAGGCTCCGGGCCAGCTCCTCCACCTTGGAGCTCATGAGGCTGGGC[A>G]TGTGGTCGCAGGCTCTGCGGATGGAGGCCAATTCCGAGCCCAGGGGATGGTAGAGGTTGT-3'
Protein context (NP_112600.1, residues 265-285): LASIRRACDH[Met275Thr]PSLMSSKVEE

ClinVar aggregate classification (germline): Uncertain significance. Review status: criteria provided, multiple submitters, no conflicts (2 of 4 stars). 2 submissions from 2 submitters: Uncertain significance (2). Last evaluated 2025-08-01.

Conditions:
Inborn genetic diseases. Identifiers: MedGen C0950123, MeSH D030342.

Allele frequency attached by ClinVar (database versions not stated): gnomAD exomes 0.00001; TOPMed 0.00001; gnomAD 0.00002; 1000 Genomes Project 30x 0.00016; 1000 Genomes Project 0.00020.
gnomAD v4.1: 23 of 1,613,666 alleles (0.0014%); highest among the groups gnomAD compares: African/African-American, 0.0027%; no homozygotes.

Submissions (2):

Ambry Genetics
Classification: Uncertain significance for Inborn genetic diseases. Last evaluated: 2025-08-01. Review status: criteria provided, single submitter. Criteria: Ambry Variant Classification Scheme 2023. Collection method: clinical testing. Allele origin: germline.

Labcorp Genetics (formerly Invitae), Labcorp
Classification: Uncertain significance. Last evaluated: 2022-07-17. Review status: criteria provided, single submitter. Criteria: Invitae Variant Classification Sherloc (09022015). Collection method: clinical testing. Allele origin: germline.
Comment: In summary, the available evidence is currently insufficient to determine the role of this variant in disease. Therefore, it has been classified as a Variant of Uncertain Significance. Algorithms developed to predict the effect of missense changes on protein structure and function (SIFT, PolyPhen-2, Align-GVGD) all suggest that this variant is likely to be tolerated. This variant has not been reported in the literature in individuals affected with PLVAP-related conditions. This variant is not present in population databases (gnomAD no frequency). This sequence change replaces methionine, which is neutral and non-polar, with threonine, which is neutral and polar, at codon 275 of the PLVAP protein (p.Met275Thr).